The following is an entry in ClinVar:

ClinVar aggregate classification (germline): Uncertain significance (1 of 4 stars; one submission).

Submission:

Labcorp Genetics (formerly Invitae), Labcorp
Classification: Uncertain significance. Last evaluated: 2023-06-15. Review status: criteria provided, single submitter. Criteria: Invitae Variant Classification Sherloc (09022015). Collection method: clinical testing. Allele origin: unknown.
Comment: In summary, the available evidence is currently insufficient to determine the role of this variant in disease. Therefore, it has been classified as a Variant of Uncertain Significance. Experimental studies and prediction algorithms are not available or were not evaluated, and the functional significance of this variant is currently unknown. This variant has not been reported in the literature in individuals affected with RNASEH1-related conditions. This variant results in a copy number gain of the genomic region encompassing exon(s) 1-2 of the RNASEH1 gene. This region includes the initiator codon of the gene. This copy number gain extends beyond the assayed region for this gene and therefore may encompass additional genes. As the precise location of this event is unknown, it may be in tandem or it may be located elsewhere in the genome.

NC_000002.11:g.(?_3604359)_(3605850_?)dup

Gene: RNASEH1 (ribonuclease H1; minus strand). Cytogenetic location: 2p25.3.
Variant type: Duplication.
Identifiers: ClinVar variation 3247510 (VCV003247510.1).